The following is an entry in ClinVar:

ClinVar aggregate classification (germline): Uncertain significance (1 of 4 stars; one submission).

Conditions:
Opsismodysplasia (OPSMD). Also called: INPPL1-Related Opsismodysplasia. Identifiers: Orphanet 2746, MedGen C0432219, MONDO:0009785, OMIM 258480.

Submission:

Clinical Genetics and Genomics, Karolinska University Hospital
Classification: Uncertain significance for Opsismodysplasia. Last evaluated: 2024-01-18. Review status: criteria provided, single submitter. Criteria: ACMG Guidelines, 2015. Collection method: clinical testing. Allele origin: germline. Inheritance: Autosomal recessive inheritance. Affected: yes.
Comment: It meets the ACMG criteria PM2 and PP3, and is therefore classified as a variant of uncertain significance.

NM_001567.4(INPPL1):c.1397T>A (p.Ile466Asn)

Gene: INPPL1 (inositol polyphosphate phosphatase like 1; plus strand). Cytogenetic location: 11q13.4.
Variant type: single nucleotide variant.
Coding change: c.1397T>A on transcript NM_001567.4 (MANE Select); coding-DNA position 1397, T replaced by A.
Protein change: p.Ile466Asn; replaces isoleucine 466 with asparagine.
Molecular consequence: missense variant.
Genome position (GRCh38, 1-based): chr11:72,231,089, T>A. VCF-style: chr11-72231089-T-A. GRCh37 (hg19) VCF-style: chr11-71942133-T-A.
Other names: short protein forms I466N.
Identifiers: ClinVar variation 2687875 (VCV002687875.1), dbSNP rs2539208261, ClinGen allele CA381726520.